The following is an entry in ClinVar:

ClinVar aggregate classification (germline): Uncertain significance (1 of 4 stars; one submission).

Conditions:
Hereditary cancer-predisposing syndrome. Also called: Neoplastic Syndromes, Hereditary; Tumor predisposition; Hereditary neoplastic syndrome; Hereditary Cancer Syndrome. Identifiers: Orphanet 140162, MedGen C0027672, MeSH D009386, MONDO:0015356.
Cardiovascular phenotype. Identifiers: MedGen CN230736.

Submission:

Ambry Genetics
Classification: Uncertain significance for Cardiovascular phenotype; Hereditary cancer-predisposing syndrome. Last evaluated: 2023-12-18. Review status: criteria provided, single submitter. Criteria: Ambry Variant Classification Scheme 2023. Collection method: clinical testing. Allele origin: germline.
Comment: The p.D363V variant (also known as c.1088A>T), located in coding exon 10 of the LZTR1 gene, results from an A to T substitution at nucleotide position 1088. The aspartic acid at codon 363 is replaced by valine, an amino acid with highly dissimilar properties. This amino acid position is conserved. In addition, the in silico prediction for this alteration is inconclusive. Since supporting evidence is limited at this time, the clinical significance of this alteration remains unclear.

NM_006767.4(LZTR1):c.1088A>T (p.Asp363Val)

Gene: LZTR1 (leucine zipper like post translational regulator 1; plus strand). Cytogenetic location: 22q11.21.
Variant type: single nucleotide variant.
Coding change: c.1088A>T on transcript NM_006767.4 (MANE Select); coding-DNA position 1088, A replaced by T.
Protein change: p.Asp363Val; replaces aspartic acid 363 with valine.
Molecular consequence: missense variant.
Genome position (GRCh38, 1-based): chr22:20,992,308, A>T. VCF-style: chr22-20992308-A-T. GRCh37 (hg19) VCF-style: chr22-21346597-A-T.
Other names: short protein forms D363V.
Identifiers: ClinVar variation 3238014 (VCV003238014.1), dbSNP rs2518618078.